The following is an entry in ClinVar:

ClinVar aggregate classification (germline): Conflicting classifications of pathogenicity. Review status: criteria provided, conflicting classifications (1 of 4 stars). 2 submissions from 2 submitters: Likely pathogenic (1); Uncertain significance (1). Last evaluated 2024-01-09.

Conditions:
STAT3-related disorder. Also called: STAT3-related condition.
Hyper-IgE recurrent infection syndrome 1, autosomal dominant. Also called: HYPER-IgE SYNDROME 1, AUTOSOMAL DOMINANT, WITH RECURRENT INFECTIONS; JOB SYNDROME; STAT3 Hyper IgE Syndrome; Hyper-IgE recurrent infection syndrome 1; Job's Syndrome. Identifiers: Orphanet 2314, MedGen C2936739, MONDO:0007818, OMIM 147060.

Submissions (2):

Blueprint Genetics
Classification: Likely pathogenic for STAT3-related disorders. Last evaluated: 2024-01-09. Review status: criteria provided, single submitter. Criteria: ACMG Guidelines, 2015. Collection method: clinical testing. Allele origin: germline. Affected: yes. Observed: 1 variant allele.

Neuberg Centre For Genomic Medicine, NCGM
Classification: Uncertain significance for Hyper-IgE recurrent infection syndrome 1, autosomal dominant. Last evaluated: 2023-05-20. Review status: criteria provided, single submitter. Criteria: ACMG Guidelines, 2015. Collection method: clinical testing. Allele origin: germline. Inheritance: Autosomal dominant inheritance. Affected: yes.
Comment: The observed missense variant c.1997T>C(p.Leu666Pro) in STAT3 gene has not been reported previously as a pathogenic variant nor as a benign variant, to our knowledge. The c.1997T>C variant is absent in gnomAD Exomes. The amino acid Leucine at position 666 is changed to a Proline changing protein sequence and it might alter its composition and physico-chemical properties. Computational evidence (Polyphen, SIFT and Mutation Taster) predicts conflicting evidence on protein structure and function for this variant.The amino acid change p.Leu666Pro in STAT3 is predicted as conserved by GERP++ and PhyloP across 100 vertebrates. For these reasons, this variant has been classified as Uncertain Significance.

NM_139276.3(STAT3):c.1997T>C (p.Leu666Pro)

Gene: STAT3 (signal transducer and activator of transcription 3; minus strand). Cytogenetic location: 17q21.2.
Variant type: single nucleotide variant.
Coding change: c.1997T>C on transcript NM_139276.3 (MANE Select); coding-DNA position 1997, T replaced by C.
Protein change: p.Leu666Pro; replaces leucine 666 with proline.
Molecular consequence: missense variant.
Genome position (GRCh38, 1-based): chr17:42,322,386, A>G on the plus strand (T>C on the coding strand, the complement: STAT3 is on the minus strand). VCF-style: chr17-42322386-A-G. GRCh37 (hg19) VCF-style: chr17-40474404-A-G.
Other names: c.1997T>C, p.Leu666Pro (NM_001369512.1, NM_001369513.1, NM_001369514.1 and 9 more transcripts); c.1913T>C, p.Leu638Pro (NM_001384984.1); c.1919T>C, p.Leu640Pro (NM_001384985.1); c.2012T>C, p.Leu671Pro (NM_001384986.1, NM_001384990.1); c.1976T>C, p.Leu659Pro (NM_001384987.1); c.1901T>C, p.Leu634Pro (NM_001384989.1); c.1970T>C, p.Leu657Pro (NM_001384991.1); c.1937T>C, p.Leu646Pro (NM_001384992.1); short protein forms L634P, L638P, L640P, L646P, L657P, L659P, L666P, L671P.
Identifiers: ClinVar variation 3341431 (VCV003341431.2).